The following is an entry in ClinVar:

NM_000094.4(COL7A1):c.3062G>C (p.Gly1021Ala)

Gene: COL7A1 (collagen type VII alpha 1 chain; minus strand). Cytogenetic location: 3p21.31.
Variant type: single nucleotide variant.
Coding change: c.3062G>C on transcript NM_000094.4 (MANE Select); coding-DNA position 3062, G replaced by C.
Protein change: p.Gly1021Ala; replaces glycine 1021 with alanine.
Molecular consequence: missense variant.
Genome position (GRCh38, 1-based): chr3:48,587,267, C>G on the plus strand (G>C on the coding strand, the complement: COL7A1 is on the minus strand). VCF-style: chr3-48587267-C-G. GRCh37 (hg19) VCF-style: chr3-48624700-C-G.
Other names: short protein forms G1021A.
Identifiers: ClinVar variation 1366451 (VCV001366451.3), dbSNP rs533045231, ClinGen allele CA2380654.

ClinVar aggregate classification (germline): Uncertain significance (1 of 4 stars; one submission).

Allele frequency attached by ClinVar (database versions not stated): gnomAD exomes below 0.00001; ExAC 0.00001; gnomAD 0.00001; 1000 Genomes Project 0.00020; 1000 Genomes Project 30x 0.00031.
gnomAD v4.1: 1 of 1,611,504 alleles (0.000062%); highest among the groups gnomAD compares: African/African-American, 0.0013%; no homozygotes.

Submission:

Labcorp Genetics (formerly Invitae), Labcorp
Classification: Uncertain significance. Last evaluated: 2021-08-11. Review status: criteria provided, single submitter. Criteria: Invitae Variant Classification Sherloc (09022015). Collection method: clinical testing. Allele origin: germline.
Comment: This sequence change replaces glycine with alanine at codon 1021 of the COL7A1 protein (p.Gly1021Ala). The glycine residue is moderately conserved and there is a small physicochemical difference between glycine and alanine. This variant is present in population databases (rs533045231, ExAC 0.01%). This variant has not been reported in the literature in individuals affected with COL7A1-related conditions. Advanced modeling of protein sequence and biophysical properties (such as structural, functional, and spatial information, amino acid conservation, physicochemical variation, residue mobility, and thermodynamic stability) performed at Invitae indicates that this missense variant is expected to disrupt COL7A1 protein function. In summary, the available evidence is currently insufficient to determine the role of this variant in disease. Therefore, it has been classified as a Variant of Uncertain Significance.